The following is an entry in ClinVar:

ClinVar aggregate classification (germline): Likely pathogenic (1 of 4 stars; one submission).

Conditions:
Classic homocystinuria. Also called: HOMOCYSTINURIA WITH OR WITHOUT RESPONSE TO PYRIDOXINE; Homocystinuria due to CBS deficiency; Cystathionine beta-synthase deficiency; CBS deficiency; Homocystinuria due to Cystathionine Beta-Synthase Deficiency. Identifiers: Orphanet 394, MedGen C0751202, MONDO:0009352, OMIM 236200.

Submission:

Natera, Inc.
Classification: Likely pathogenic for Homocystinuria due to cystathionine beta-synthase deficiency. Last evaluated: 2025-06-23. Review status: criteria provided, single submitter. Criteria: Natera Variant Classification Schema (03/2026). Collection method: clinical testing. Allele origin: germline.
Comment: The c.833delTinsCTGGGGTGGATCATCCAGGTGGGGCTTTTGCTGGGCTTGAGCCCTGAAGCCGCGCCCTCTGCAGATCAC variant in CBS is a frameshift variant predicted to shift the reading frame beginning at codon 278 and leads to a stop codon 16 codons downstream. This variant is expected to result in nonsense mediated decay, truncation, or a dysfunctional protein product. This variant is rare in the general population with a frequency below the threshold expected for the associated phenotype(s). Given the available evidence, this variant is classified as Likely Pathogenic.

NM_000071.3(CBS):c.833delinsCTGGGGTGGATCATCCAGGTGGGGCTTTTGCTGGGCTTGAGCCCTGAAGCCGCGCCCTCTGCAGATCAC (p.Ile278delinsThrGlyValAspHisProGlyGlyAlaPheAlaGlyLeuGluProTer)

Gene: CBS (cystathionine beta-synthase; minus strand). Cytogenetic location: 21q22.3.
Variant type: Indel.
Coding change: c.833delinsCTGGGGTGGATCATCCAGGTGGGGCTTTTGCTGGGCTTGAGCCCTGAAGCCGCGCCCTCTGCAGATCAC on transcript NM_000071.3 (MANE Select); coding-DNA position 833, the reference bases replaced by an inserted sequence.
Protein change: p.Ile278delinsThrGlyValAspHisProGlyGlyAlaPheAlaGlyLeuGluProTer.
Molecular consequence: nonsense.
Genome position (GRCh38, 1-based): chr21:43,063,074, one base replaced. GRCh37 (hg19), VCF-style position (the base before the change): chr21:44,483,184.
Other names: c.833delinsCTGGGGTGGATCATCCAGGTGGGGCTTTTGCTGGGCTTGAGCCCTGAAGCCGCGCCCTCTGCAGATCAC, p.Ile278delinsThrGlyValAspHisProGlyGlyAlaPheAlaGlyLeuGluProTer (NM_001178008.3, NM_001178009.3, NM_001320298.2); c.518delinsCTGGGGTGGATCATCCAGGTGGGGCTTTTGCTGGGCTTGAGCCCTGAAGCCGCGCCCTCTGCAGATCAC, p.Ile173delinsThrGlyValAspHisProGlyGlyAlaPheAlaGlyLeuGluProTer (NM_001321072.1).
Identifiers: ClinVar variation 4816726 (VCV004816726.1).